The following is an entry in ClinVar:

ClinVar aggregate classification (germline): Uncertain significance (1 of 4 stars; one submission).

gnomAD v4.1: 1 of 1,614,116 alleles (0.000062%); highest among the groups gnomAD compares: African/African-American, 0.0013%; no homozygotes.

Submission:

Labcorp Genetics (formerly Invitae), Labcorp
Classification: Uncertain significance. Last evaluated: 2024-04-24. Review status: criteria provided, single submitter. Criteria: Invitae Variant Classification Sherloc (09022015). Collection method: clinical testing. Allele origin: germline.
Comment: This sequence change replaces leucine, which is neutral and non-polar, with arginine, which is basic and polar, at codon 1963 of the HIVEP2 protein (p.Leu1963Arg). This variant is present in population databases (rs758464437, gnomAD 0.0009%). This variant has not been reported in the literature in individuals affected with HIVEP2-related conditions. Advanced modeling of protein sequence and biophysical properties (such as structural, functional, and spatial information, amino acid conservation, physicochemical variation, residue mobility, and thermodynamic stability) performed at Invitae indicates that this missense variant is not expected to disrupt HIVEP2 protein function with a negative predictive value of 80%. In summary, the available evidence is currently insufficient to determine the role of this variant in disease. Therefore, it has been classified as a Variant of Uncertain Significance.

NM_006734.4(HIVEP2):c.5888T>G (p.Leu1963Arg)

Gene: HIVEP2 (HIVEP zinc finger 2; minus strand). Cytogenetic location: 6q24.2.
Variant type: single nucleotide variant.
Coding change: c.5888T>G on transcript NM_006734.4 (MANE Select); coding-DNA position 5888, T replaced by G.
Protein change: p.Leu1963Arg; replaces leucine 1963 with arginine.
Molecular consequence: missense variant.
Genome position (GRCh38, 1-based): chr6:142,760,400, A>C on the plus strand (T>G on the coding strand, the complement: HIVEP2 is on the minus strand). VCF-style: chr6-142760400-A-C. GRCh37 (hg19) VCF-style: chr6-143081537-A-C.
Other names: short protein forms L1963R.
Identifiers: ClinVar variation 3679415 (VCV003679415.2).